The following is an entry in ClinVar:

ClinVar aggregate classification (germline): Uncertain significance (1 of 4 stars; one submission).

gnomAD v4.1: 1 of 1,613,938 alleles (0.000062%); highest among the groups gnomAD compares: Non-Finnish European, 0.000085%; no homozygotes.

Submission:

GeneDx
Classification: Uncertain significance. Last evaluated: 2023-01-18. Review status: criteria provided, single submitter. Criteria: GeneDx Variant Classification Process June 2021. Collection method: clinical testing. Allele origin: germline. Affected: yes.
Comment: Not observed in large population cohorts (gnomAD); In silico analysis supports that this missense variant has a deleterious effect on protein structure/function; Has not been previously published as pathogenic or benign to our knowledge

NM_017780.4(CHD7):c.6196G>A (p.Glu2066Lys)

Gene: CHD7 (chromodomain helicase DNA binding protein 7; plus strand). Cytogenetic location: 8q12.2.
Variant type: single nucleotide variant.
Coding change: c.6196G>A on transcript NM_017780.4 (MANE Select); coding-DNA position 6196, G replaced by A.
Protein change: p.Glu2066Lys; replaces glutamic acid 2066 with lysine.
Molecular consequence: missense variant. On other transcripts: intron variant (1).
Genome position (GRCh38, 1-based): chr8:60,852,921, G>A. VCF-style: chr8-60852921-G-A. GRCh37 (hg19) VCF-style: chr8-61765480-G-A.
Other names: c.1717-9308G>A (NM_001316690.1); short protein forms E2066K.
Identifiers: ClinVar variation 2413086 (VCV002413086.3), dbSNP rs763289725, ClinGen allele CA371324416.